The following is an entry in ClinVar:

ClinVar aggregate classification (germline): Pathogenic/Likely pathogenic. Review status: criteria provided, multiple submitters, no conflicts (2 of 4 stars). 2 submissions from 2 submitters: Pathogenic (1); Likely pathogenic (1). Last evaluated 2022-07-11.

Conditions:
Hereditary inclusion body myopathy-joint contractures-ophthalmoplegia syndrome. Identifiers: Orphanet 79091, MedGen C4510610, MONDO:0019195.
Myopathy, proximal, and ophthalmoplegia (CMYO6). Also called: INCLUSION BODY MYOPATHY 3, AUTOSOMAL DOMINANT; MYOPATHY WITH CONGENITAL JOINT CONTRACTURES, OPHTHALMOPLEGIA, AND RIMMED VACUOLES; CONGENITAL MYOPATHY 6 WITH OPHTHALMOPLEGIA. Identifiers: Orphanet 363677, Orphanet 79091, MedGen C1854106, MONDO:0011577, OMIM 605637.

gnomAD v4.1: 25 of 1,614,024 alleles (0.0015%); highest among the groups gnomAD compares: Non-Finnish European, 0.0021%; no homozygotes.

Submissions (2):

Labcorp Genetics (formerly Invitae), Labcorp
Classification: Pathogenic for Myopathy, proximal, and ophthalmoplegia. Last evaluated: 2022-07-11. Review status: criteria provided, single submitter. Criteria: Invitae Variant Classification Sherloc (09022015). Collection method: clinical testing. Allele origin: germline.
Comment: For these reasons, this variant has been classified as Pathogenic. This variant has not been reported in the literature in individuals affected with MYH2-related conditions. This variant is not present in population databases (gnomAD no frequency). This sequence change creates a premature translational stop signal (p.Gln726*) in the MYH2 gene. It is expected to result in an absent or disrupted protein product. Loss-of-function variants in MYH2 are known to be pathogenic (PMID: 20418530, 23388406, 24193343).

Genetics and Molecular Pathology, SA Pathology
Classification: Likely pathogenic for Hereditary inclusion body myopathy-joint contractures-ophthalmoplegia syndrome. Last evaluated: 2021-06-24. Review status: criteria provided, single submitter. Criteria: ACMG Guidelines, 2015. Collection method: clinical testing. Allele origin: germline. Affected: yes.

Literature cited by the submitters: PubMed 20418530 (cited by Labcorp Genetics (formerly Invitae), Labcorp); PubMed 23388406 (cited by Labcorp Genetics (formerly Invitae), Labcorp); PubMed 24193343 (cited by Labcorp Genetics (formerly Invitae), Labcorp).

NM_017534.6(MYH2):c.2176C>T (p.Gln726Ter)

Genes: MYH2 (myosin heavy chain 2; minus strand), MYHAS (myosin heavy chain gene cluster antisense RNA; plus strand). Cytogenetic location: 17p13.1.
Variant type: single nucleotide variant.
Coding change: c.2176C>T on transcript NM_017534.6 (MANE Select); coding-DNA position 2176, C replaced by T.
Protein change: p.Gln726Ter; replaces glutamine 726 with a stop codon.
Molecular consequence: nonsense.
Genome position (GRCh38, 1-based): chr17:10,535,077, G>A on the plus strand (C>T on the coding strand, the complement: MYH2 is on the minus strand). VCF-style: chr17-10535077-G-A. GRCh37 (hg19) VCF-style: chr17-10438394-G-A.
Other names: c.2176C>T, p.Gln726Ter (NM_001100112.2); short protein forms Q726*.
Identifiers: ClinVar variation 1803154 (VCV001803154.7), dbSNP rs904850136, ClinGen allele CA287743045.